The following is an entry in ClinVar:

NM_003579.4(RAD54L):c.1814C>A (p.Ala605Asp)

Gene: RAD54L (RAD54 like; plus strand). Cytogenetic location: 1p34.1.
Variant type: single nucleotide variant.
Coding change: c.1814C>A on transcript NM_003579.4 (MANE Select); coding-DNA position 1814, C replaced by A.
Protein change: p.Ala605Asp; replaces alanine 605 with aspartic acid.
Molecular consequence: missense variant.
Genome position (GRCh38, 1-based): chr1:46,274,662, C>A. VCF-style: chr1-46274662-C-A. GRCh37 (hg19) VCF-style: chr1-46740334-C-A.
Other names: c.1814C>A, p.Ala605Asp (NM_001142548.2); c.1274C>A, p.Ala425Asp (NM_001370766.1); short protein forms A425D, A605D.
Identifiers: ClinVar variation 2447809 (VCV002447809.2), dbSNP rs766610626, ClinGen allele CA340186125.

ClinVar aggregate classification (germline): Uncertain significance (1 of 4 stars; one submission).

Submission:

Ambry Genetics
Classification: Uncertain significance. Last evaluated: 2023-02-05. Review status: criteria provided, single submitter. Criteria: Ambry Variant Classification Scheme 2023. Collection method: clinical testing. Allele origin: germline.
Comment: The p.A605D variant (also known as c.1814C>A), located in coding exon 16 of the RAD54L gene, results from a C to A substitution at nucleotide position 1814. The alanine at codon 605 is replaced by aspartic acid, an amino acid with dissimilar properties. This amino acid position is conserved. In addition, this alteration is predicted to be deleterious by in silico analysis. Since supporting evidence is limited at this time, the clinical significance of this alteration remains unclear.